The following is an entry in ClinVar:

NM_001110556.2(FLNA):c.4042C>T (p.Pro1348Ser)

Gene: FLNA (filamin A; minus strand). Cytogenetic location: Xq28.
Variant type: single nucleotide variant.
Coding change: c.4042C>T on transcript NM_001110556.2 (MANE Select); coding-DNA position 4042, C replaced by T.
Protein change: p.Pro1348Ser; replaces proline 1348 with serine.
Molecular consequence: missense variant.
Genome position (GRCh38, 1-based): chrX:154,359,584, G>A on the plus strand (C>T on the coding strand, the complement: FLNA is on the minus strand). VCF-style: chrX-154359584-G-A. GRCh37 (hg19) VCF-style: chrX-153587952-G-A.
Other names: c.4042C>T, p.Pro1348Ser (NM_001456.4); short protein forms P1348S.
Identifiers: ClinVar variation 1334522 (VCV001334522.4), dbSNP rs782628781, ClinGen allele CA415220286.

ClinVar aggregate classification (germline): Uncertain significance (1 of 4 stars; one submission).

Submission:

Greenwood Genetic Center Diagnostic Laboratories, Greenwood Genetic Center
Classification: Uncertain significance. Last evaluated: 2021-07-23. Review status: criteria provided, single submitter. Criteria: ACMG Guidelines, 2015. Collection method: clinical testing. Allele origin: germline. Affected: yes.
Comment: PM2